The following is an entry in ClinVar:

ClinVar aggregate classification (germline): Uncertain significance. Review status: criteria provided, multiple submitters, no conflicts (2 of 4 stars). 2 submissions from 2 submitters: Uncertain significance (2). Last evaluated 2023-07-27.

Conditions:
Pyruvate carboxylase deficiency. Also called: Pyruvate Carboxylase Deficiency Disease; LEIGH NECROTIZING ENCEPHALOPATHY DUE TO PYRUVATE CARBOXYLASE DEFICIENCY; LEIGH SYNDROME DUE TO PYRUVATE CARBOXYLASE DEFICIENCY; PC DEFICIENCY; ATAXIA WITH LACTIC ACIDOSIS II. Identifiers: Orphanet 3008, MedGen C0034341, MONDO:0009949, OMIM 266150.

Allele frequency attached by ClinVar (database versions not stated): ExAC 0.00001; gnomAD exomes 0.00001; gnomAD 0.00002; TOPMed 0.00003.
gnomAD v4.1: 19 of 1,613,480 alleles (0.0012%); highest among the groups gnomAD compares: South Asian, 0.0099%; no homozygotes.

Submissions (2):

GeneDx
Classification: Uncertain significance. Last evaluated: 2023-07-27. Review status: criteria provided, single submitter. Criteria: GeneDx Variant Classification Process June 2021. Collection method: clinical testing. Allele origin: germline. Affected: yes.
Comment: Not observed at significant frequency in large population cohorts (gnomAD); In silico analysis supports that this missense variant has a deleterious effect on protein structure/function; Has not been previously published as pathogenic or benign to our knowledge

Labcorp Genetics (formerly Invitae), Labcorp
Classification: Uncertain significance for Pyruvate carboxylase deficiency. Last evaluated: 2022-07-11. Review status: criteria provided, single submitter. Criteria: Invitae Variant Classification Sherloc (09022015). Collection method: clinical testing. Allele origin: germline.
Comment: This sequence change replaces arginine, which is basic and polar, with glutamine, which is neutral and polar, at codon 288 of the PC protein (p.Arg288Gln). This variant is present in population databases (rs775985392, gnomAD 0.003%). This variant has not been reported in the literature in individuals affected with PC-related conditions. Algorithms developed to predict the effect of missense changes on protein structure and function are either unavailable or do not agree on the potential impact of this missense change (SIFT: "Deleterious"; PolyPhen-2: "Probably Damaging"; Align-GVGD: "Class C0"). In summary, the available evidence is currently insufficient to determine the role of this variant in disease. Therefore, it has been classified as a Variant of Uncertain Significance.

NM_001040716.2(PC):c.863G>A (p.Arg288Gln)

Gene: PC (pyruvate carboxylase; minus strand). Cytogenetic location: 11q13.2.
Variant type: single nucleotide variant.
Coding change: c.863G>A on transcript NM_001040716.2 (MANE Select); coding-DNA position 863, G replaced by A.
Protein change: p.Arg288Gln; replaces arginine 288 with glutamine.
Molecular consequence: missense variant.
Genome position (GRCh38, 1-based): chr11:66,870,342, C>T on the plus strand (G>A on the coding strand, the complement: PC is on the minus strand). VCF-style: chr11-66870342-C-T. GRCh37 (hg19) VCF-style: chr11-66637813-C-T.
Other names: c.863G>A (NM_000920.3); c.863G>A, p.Arg288Gln (NM_000920.4, NM_022172.3); short protein forms R288Q.
Identifiers: ClinVar variation 1898149 (VCV001898149.3), dbSNP rs775985392, ClinGen allele CA6132086.